The following is an entry in ClinVar:

ClinVar aggregate classification (germline): Uncertain significance. Review status: criteria provided, multiple submitters, no conflicts (2 of 4 stars). 2 submissions from 2 submitters: Uncertain significance (2). Last evaluated 2025-08-21.

Conditions:
Inborn genetic diseases. Identifiers: MedGen C0950123, MeSH D030342.
Joubert syndrome 21 (JBTS21). Identifiers: MedGen C3810212, MONDO:0014288, OMIM 615636.

Allele frequency attached by ClinVar (database versions not stated): TOPMed 0.00004; gnomAD 0.00005 and 0.00006; ExAC 0.00006; gnomAD exomes 0.00007; ESP Exome Variant Server 0.00008; 1000 Genomes Project 30x 0.00016; 1000 Genomes Project 0.00020.
gnomAD v4.1: 130 of 1,580,392 alleles (0.0082%); highest among the groups gnomAD compares: Non-Finnish European, 0.01%; no homozygotes.

Submissions (2):

Labcorp Genetics (formerly Invitae), Labcorp
Classification: Uncertain significance for Joubert syndrome 21. Last evaluated: 2025-08-21. Review status: criteria provided, single submitter. Criteria: Invitae Variant Classification Sherloc (09022015). Collection method: clinical testing. Allele origin: germline.
Comment: This sequence change replaces alanine, which is neutral and non-polar, with valine, which is neutral and non-polar, at codon 74 of the CSPP1 protein (p.Ala74Val). This variant is present in population databases (rs201536815, gnomAD 0.01%). This variant has not been reported in the literature in individuals affected with CSPP1-related conditions. ClinVar contains an entry for this variant (Variation ID: 960719). An algorithm developed to predict the effect of missense changes on protein structure and function (PolyPhen-2) suggests that this variant is likely to be tolerated. In summary, the available evidence is currently insufficient to determine the role of this variant in disease. Therefore, it has been classified as a Variant of Uncertain Significance.

Ambry Genetics
Classification: Uncertain significance for Inborn genetic diseases. Last evaluated: 2024-12-06. Review status: criteria provided, single submitter. Criteria: Ambry Variant Classification Scheme 2023. Collection method: clinical testing. Allele origin: germline.

NM_001382391.1(CSPP1):c.113C>T (p.Ala38Val)

Gene: CSPP1 (centrosome and spindle pole associated protein 1; plus strand). Cytogenetic location: 8q13.1.
Variant type: single nucleotide variant.
Coding change: c.113C>T on transcript NM_001382391.1 (MANE Select); coding-DNA position 113, C replaced by T.
Protein change: p.Ala38Val; replaces alanine 38 with valine.
Molecular consequence: missense variant.
Genome position (GRCh38, 1-based): chr8:67,076,495, C>T. VCF-style: chr8-67076495-C-T. GRCh37 (hg19) VCF-style: chr8-67988730-C-T.
Other names: c.113C>T, p.Ala38Val (NM_001363131.2, NM_001363132.2, NM_001363133.2); c.221C>T, p.Ala74Val (NM_001364869.1, NM_001364870.1, NM_024790.7); short protein forms A38V, A74V.
Identifiers: ClinVar variation 960719 (VCV000960719.8), dbSNP rs201536815, ClinGen allele CA4770143.